The following is an entry in ClinVar:

ClinVar aggregate classification (germline): Uncertain significance (1 of 4 stars; one submission).

Conditions:
Arginine:glycine amidinotransferase deficiency (CCDS3). Also called: L-Arginine:Glycine Amidinotransferase (AGAT) Deficiency; AGAT deficiency; L-Arginine:Glycine Amidinotransferase Deficiency; Cerebral creatine deficiency syndrome 3; Creatine deficiency syndrome due to AGAT deficiency; GATM deficiency. Identifiers: Orphanet 35704, MedGen C2675179, MONDO:0012996, OMIM 612718.

Submission:

Labcorp Genetics (formerly Invitae), Labcorp
Classification: Uncertain significance for Arginine:glycine amidinotransferase deficiency. Last evaluated: 2022-12-16. Review status: criteria provided, single submitter. Criteria: Invitae Variant Classification Sherloc (09022015). Collection method: clinical testing. Allele origin: germline.
Comment: In summary, the available evidence is currently insufficient to determine the role of this variant in disease. Therefore, it has been classified as a Variant of Uncertain Significance. Algorithms developed to predict the effect of missense changes on protein structure and function are either unavailable or do not agree on the potential impact of this missense change (SIFT: "Deleterious"; PolyPhen-2: "Benign"; Align-GVGD: "Class C0"). This variant has not been reported in the literature in individuals affected with GATM-related conditions. This variant is not present in population databases (gnomAD no frequency). This sequence change replaces tyrosine, which is neutral and polar, with cysteine, which is neutral and slightly polar, at codon 19 of the GATM protein (p.Tyr19Cys).

NM_001482.3(GATM):c.56A>G (p.Tyr19Cys)

Genes: GATM (glycine amidinotransferase; minus strand), LOC130056991 (ATAC-STARR-seq lymphoblastoid silent region 6406; plus strand). Cytogenetic location: 15q21.1.
Variant type: single nucleotide variant.
Coding change: c.56A>G on transcript NM_001482.3 (MANE Select); coding-DNA position 56, A replaced by G.
Protein change: p.Tyr19Cys; replaces tyrosine 19 with cysteine.
Molecular consequence: missense variant. On other transcripts: intron variant (1).
Genome position (GRCh38, 1-based): chr15:45,378,398, T>C on the plus strand (A>G on the coding strand, the complement: GATM is on the minus strand). VCF-style: chr15-45378398-T-C. GRCh37 (hg19) VCF-style: chr15-45670596-T-C.
Other names: c.-318-1579A>G (NM_001321015.2); short protein forms Y19C.
Identifiers: ClinVar variation 2821630 (VCV002821630.3), dbSNP rs1286036723, ClinGen allele CA392266570.
Genomic context (GRCh38, chr15:45,378,398, plus strand): 5'-ATCGAGTGAGTCACGCGGCCGCCAGACGAGGCCGGTGGCGCACGCACCCGAGATCCGATG[T>C]AGTGCACCGCCTCGGCGCCGCGGCTCCCGCCGCGCAGACACCGCACCCGCAGCATCGCCC-3'
Protein context (NP_001473.1, residues 9-29): GGSRGAEAVH[Tyr19Cys]IGSRLGRTLT